The following is an entry in ClinVar:

ClinVar aggregate classification (germline): Uncertain significance (1 of 4 stars; one submission).

Submission:

Women's Health and Genetics/Laboratory Corporation of America, LabCorp
Classification: Uncertain significance. Last evaluated: 2026-04-06. Review status: criteria provided, single submitter. Criteria: LabCorp Variant Classification Summary - May 2015. Collection method: clinical testing. Allele origin: germline.
Comment: Variant summary: The variant involves the duplication of exons 44-47 in the CACNA1C gene. A presumed nomenclature of c.(5573+1_5574-1)_(*6752_?)dup has been designated for the purposes of this classification. The exact breakpoint at the 3' end of this variant is unknown, therefore this duplication may extend downstream of the annotated region of the gene. As it duplicates the termination codon, its effect on the encoded protein is unknown. The variant was absent in 120780 control chromosomes in the gnomAD database (Structural Variants v4.1 dataset). However, a similar duplication was reported in the DGV Gold Standard dataset. In addition, an overlapping, smaller duplication encompassing the last exon has been reported in the gnomAD database (SVs v4.1) with an allele frequency of 0.00033, including 1 homozygote. To our knowledge, no occurrence of c.(5573+1_5574-1)_(*6752_?)dup in individuals affected with CACNA1C-related conditions and no experimental evidence demonstrating its impact on protein function have been reported. ClinVar contains an entry for this variant (Variation ID: 833122). Based on the evidence outlined above, the variant was classified as VUS-possibly benign.

NC_000012.11:g.(2791845_2794901)_(2807117_?)dup

Gene: CACNA1C (calcium voltage-gated channel subunit alpha1 C; plus strand). Cytogenetic location: 12p13.33.
Variant type: Duplication.
Identifiers: ClinVar variation 4848872 (VCV004848872.1).